The following is an entry in ClinVar:

NM_000455.5(STK11):c.1066A>G (p.Ile356Val)

Genes: STK11 (serine/threonine kinase 11; plus strand), LOC130062899 (ATAC-STARR-seq lymphoblastoid active region 13597; plus strand). Cytogenetic location: 19p13.3.
Variant type: single nucleotide variant.
Coding change: c.1066A>G on transcript NM_000455.5 (MANE Select); coding-DNA position 1066, A replaced by G.
Protein change: p.Ile356Val; replaces isoleucine 356 with valine.
Molecular consequence: missense variant.
Genome position (GRCh38, 1-based): chr19:1,223,130, A>G. VCF-style: chr19-1223130-A-G. GRCh37 (hg19) VCF-style: chr19-1223129-A-G.
Other names: short protein forms I356V.
Identifiers: ClinVar variation 527828 (VCV000527828.18), dbSNP rs772963844, ClinGen allele CA044997.

ClinVar aggregate classification (germline): Conflicting classifications of pathogenicity. Review status: criteria provided, conflicting classifications (1 of 4 stars). 4 submissions from 4 submitters: Uncertain significance (3); Likely benign (1). Last evaluated 2026-04-17.

Conditions:
Hereditary cancer-predisposing syndrome. Also called: Tumor predisposition; Hereditary neoplastic syndrome; Neoplastic Syndromes, Hereditary; Hereditary Cancer Syndrome. Identifiers: Orphanet 140162, MedGen C0027672, MeSH D009386, MONDO:0015356.
Peutz-Jeghers syndrome (PJS). Also called: POLYPOSIS, HAMARTOMATOUS INTESTINAL; POLYPS-AND-SPOTS SYNDROME; Peutz-Jeghers polyposis; Periorificial lentiginosis syndrome. Identifiers: Orphanet 2869, MedGen C0031269, MeSH D010580, MONDO:0008280, OMIM 175200.

Allele frequency attached by ClinVar (database versions not stated): gnomAD exomes below 0.00001; ExAC 0.00001.
gnomAD v4.1: 1 of 1,611,912 alleles (0.000062%); highest among the groups gnomAD compares: Non-Finnish European, 0.000085%; no homozygotes.

Submissions (4):

Ambry Genetics
Classification: Likely benign for Hereditary cancer-predisposing syndrome. Last evaluated: 2026-04-17. Review status: criteria provided, single submitter. Criteria: Ambry Variant Classification Scheme 2023. Collection method: clinical testing. Allele origin: germline.

Labcorp Genetics (formerly Invitae), Labcorp
Classification: Uncertain significance for Peutz-Jeghers syndrome. Last evaluated: 2025-10-02. Review status: criteria provided, single submitter. Criteria: Invitae Variant Classification Sherloc (09022015). Collection method: clinical testing. Allele origin: germline.
Comment: This sequence change replaces isoleucine, which is neutral and non-polar, with valine, which is neutral and non-polar, at codon 356 of the STK11 protein (p.Ile356Val). This variant is present in population databases (rs772963844, gnomAD 0.0009%). This variant has not been reported in the literature in individuals affected with STK11-related conditions. ClinVar contains an entry for this variant (Variation ID: 527828). Invitae Evidence Modeling of protein sequence and biophysical properties (such as structural, functional, and spatial information, amino acid conservation, physicochemical variation, residue mobility, and thermodynamic stability) indicates that this missense variant is not expected to disrupt STK11 protein function with a negative predictive value of 95%. In summary, the available evidence is currently insufficient to determine the role of this variant in disease. Therefore, it has been classified as a Variant of Uncertain Significance.

Sema4
Classification: Uncertain significance for Hereditary cancer-predisposing syndrome. Last evaluated: 2021-09-07. Review status: criteria provided, single submitter. Criteria: Sema4 Curation Guidelines. Collection method: curation. Allele origin: germline.
Comment: To the best of our knowledge, the STK11 c.1066A>G (p.I356V) variant has not been reported in individuals with STK11-related disease. It was observed in 1/110902 chromosomes of the Non-Finnish European subpopulation in the large and broad cohorts of the Genome Aggregation Database (PMID: 32461654). The variant has been reported in ClinVar (Variation ID 527828). In silico tools suggest the impact of the variant on protein function is benign though these predictions have not been confirmed by functional studies. The evidence is insufficient to meet ACMG/AMP criteria for classifying the variant as benign or pathogenic. Thus, the clinical significance of this variant is currently uncertain.

Genome-Nilou Lab
Classification: Uncertain significance for Peutz-Jeghers syndrome. Last evaluated: 2021-07-15. Review status: criteria provided, single submitter. Criteria: ACMG Guidelines, 2015. Collection method: clinical testing. Allele origin: germline. Affected: no.